The following is an entry in ClinVar:

ClinVar aggregate classification (germline): Uncertain significance (1 of 4 stars; one submission).

gnomAD v4.1: 79 of 1,614,232 alleles (0.0049%); highest among the groups gnomAD compares: South Asian, 0.02%; 1 homozygote.

Submission:

Labcorp Genetics (formerly Invitae), Labcorp
Classification: Uncertain significance. Last evaluated: 2024-06-30. Review status: criteria provided, single submitter. Criteria: Invitae Variant Classification Sherloc (09022015). Collection method: clinical testing. Allele origin: germline.
Comment: This sequence change replaces glycine, which is neutral and non-polar, with arginine, which is basic and polar, at codon 1594 of the DSCAML1 protein (p.Gly1594Arg). This variant is present in population databases (rs527533395, gnomAD 0.01%). This variant has not been reported in the literature in individuals affected with DSCAML1-related conditions. ClinVar contains an entry for this variant (Variation ID: 2180466). An algorithm developed to predict the effect of missense changes on protein structure and function (PolyPhen-2) suggests that this variant is likely to be tolerated. In summary, the available evidence is currently insufficient to determine the role of this variant in disease. Therefore, it has been classified as a Variant of Uncertain Significance.

NM_020693.4(DSCAML1):c.4600G>A (p.Gly1534Arg)

Gene: DSCAML1 (DS cell adhesion molecule like 1; minus strand). Cytogenetic location: 11q23.3.
Variant type: single nucleotide variant.
Coding change: c.4600G>A on transcript NM_020693.4 (MANE Select); coding-DNA position 4600, G replaced by A.
Protein change: p.Gly1534Arg; replaces glycine 1534 with arginine.
Molecular consequence: missense variant.
Genome position (GRCh38, 1-based): chr11:117,437,242, C>T on the plus strand (G>A on the coding strand, the complement: DSCAML1 is on the minus strand). VCF-style: chr11-117437242-C-T. GRCh37 (hg19) VCF-style: chr11-117307958-C-T.
Other names: short protein forms G1534R.
Identifiers: ClinVar variation 2180466 (VCV002180466.4), dbSNP rs527533395, ClinGen allele CA6296329.